The following is an entry in ClinVar:

NM_015662.3(IFT172):c.4161-11C>T

Gene: IFT172 (intraflagellar transport 172; minus strand). Cytogenetic location: 2p23.3.
Variant type: single nucleotide variant.
Coding change: c.4161-11C>T on transcript NM_015662.3 (MANE Select); 11 bases into the intron before coding-DNA position 4161, C replaced by T.
Molecular consequence: intron variant.
Genome position (GRCh38, 1-based): chr2:27,449,573, G>A on the plus strand (C>T on the coding strand, the complement: IFT172 is on the minus strand). VCF-style: chr2-27449573-G-A. GRCh37 (hg19) VCF-style: chr2-27672440-G-A.
Identifiers: ClinVar variation 2202402 (VCV002202402.4), dbSNP rs2465814936, ClinGen allele CA2580066240.

ClinVar aggregate classification (germline): Uncertain significance (1 of 4 stars; one submission).

Conditions:
Short-rib thoracic dysplasia 10 with or without polydactyly (SRTD10). Identifiers: Orphanet 474, MedGen C3810175, MONDO:0014284, OMIM 615630.
Retinitis pigmentosa 71 (RP71). Identifiers: Orphanet 791, MedGen C4225342, MONDO:0014618, OMIM 616394.

Submission:

Labcorp Genetics (formerly Invitae), Labcorp
Classification: Uncertain significance for Retinitis pigmentosa 71; Short-rib thoracic dysplasia 10 with or without polydactyly. Last evaluated: 2022-04-12. Review status: criteria provided, single submitter. Criteria: Invitae Variant Classification Sherloc (09022015). Collection method: clinical testing. Allele origin: germline.
Comment: Algorithms developed to predict the effect of sequence changes on RNA splicing suggest that this variant may disrupt the consensus splice site. In summary, the available evidence is currently insufficient to determine the role of this variant in disease. Therefore, it has been classified as a Variant of Uncertain Significance. This sequence change falls in intron 37 of the IFT172 gene. It does not directly change the encoded amino acid sequence of the IFT172 protein. This variant is not present in population databases (gnomAD no frequency). This variant has not been reported in the literature in individuals affected with IFT172-related conditions.